The following is an entry in ClinVar:

ClinVar aggregate classification (germline): Conflicting classifications of pathogenicity. Review status: criteria provided, conflicting classifications (1 of 4 stars). 2 submissions from 2 submitters: Uncertain significance (1); Likely benign (1). Last evaluated 2023-12-11.

Conditions:
Inborn genetic diseases. Identifiers: MedGen C0950123, MeSH D030342.
MEGF10-related myopathy (CMYO10A). Also called: Congenital myopathy 10A, severe variant. Identifiers: Orphanet 439212, MedGen C3280679, MONDO:0013731, OMIM 614399.

Allele frequency attached by ClinVar (database versions not stated): gnomAD exomes 0.00001 and 0.00002; ExAC 0.00002; gnomAD 0.00003 and 0.00004; TOPMed 0.00003.
gnomAD v4.1: 36 of 1,614,122 alleles (0.0022%); highest among the groups gnomAD compares: Non-Finnish European, 0.0029%; no homozygotes.

Submissions (2):

Ambry Genetics
Classification: Likely benign for Inborn genetic diseases. Last evaluated: 2023-12-11. Review status: criteria provided, single submitter. Criteria: Ambry Variant Classification Scheme 2023. Collection method: clinical testing. Allele origin: germline.

Labcorp Genetics (formerly Invitae), Labcorp
Classification: Uncertain significance for MEGF10-related myopathy. Last evaluated: 2021-01-22. Review status: criteria provided, single submitter. Criteria: Invitae Variant Classification Sherloc (09022015). Collection method: clinical testing. Allele origin: germline.
Comment: In summary, the available evidence is currently insufficient to determine the role of this variant in disease. Therefore, it has been classified as a Variant of Uncertain Significance. Algorithms developed to predict the effect of sequence changes on RNA splicing suggest that this variant may create or strengthen a splice site, but this prediction has not been confirmed by published transcriptional studies. Algorithms developed to predict the effect of missense changes on protein structure and function output the following: SIFT: "Tolerated"; PolyPhen-2: "Benign"; Align-GVGD: "Class C0". The arginine amino acid residue is found in multiple mammalian species, suggesting that this missense change does not adversely affect protein function. These predictions have not been confirmed by published functional studies and their clinical significance is uncertain. This variant has not been reported in the literature in individuals with MEGF10-related conditions. This variant is present in population databases (rs764333715, ExAC 0.003%). This sequence change replaces glutamine with arginine at codon 325 of the MEGF10 protein (p.Gln325Arg). The glutamine residue is moderately conserved and there is a small physicochemical difference between glutamine and arginine.

NM_001256545.2(MEGF10):c.974A>G (p.Gln325Arg)

Gene: MEGF10 (multiple EGF like domains 10; plus strand). Cytogenetic location: 5q23.2.
Variant type: single nucleotide variant.
Coding change: c.974A>G on transcript NM_001256545.2 (MANE Select); coding-DNA position 974, A replaced by G.
Protein change: p.Gln325Arg; replaces glutamine 325 with arginine.
Molecular consequence: missense variant.
Genome position (GRCh38, 1-based): chr5:127,410,445, A>G. VCF-style: chr5-127410445-A-G. GRCh37 (hg19) VCF-style: chr5-126746137-A-G.
Other names: c.974A>G, p.Gln325Arg (NM_001308119.2, NM_001308121.2, NM_032446.3); short protein forms Q325R.
Identifiers: ClinVar variation 840846 (VCV000840846.9), dbSNP rs764333715, ClinGen allele CA3391450.